The following is an entry in ClinVar:

ClinVar aggregate classification (germline): Pathogenic/Likely pathogenic. Review status: criteria provided, multiple submitters, no conflicts (2 of 4 stars). 3 submissions from 3 submitters: Pathogenic (2); Likely pathogenic (1). Last evaluated 2024-07-31.

Conditions:
Duchenne muscular dystrophy (DMD). Also called: Duchenne Muscular Dystrophy (DMD); MUSCULAR DYSTROPHY, PSEUDOHYPERTROPHIC PROGRESSIVE, DUCHENNE TYPE. Identifiers: Orphanet 98896, MedGen C0013264, MONDO:0010679, OMIM 310200.
Progressive muscular dystrophy. Identifiers: Orphanet 206644, MedGen C4551827, MONDO:0016106.

Submissions (3):

Revvity Omics, Revvity
Classification: Likely pathogenic. Last evaluated: 2024-07-31. Review status: criteria provided, single submitter. Criteria: ACMG Guidelines, 2015. Collection method: clinical testing. Allele origin: germline.

Myriad Genetics, Inc.
Classification: Pathogenic for Progressive muscular dystrophy. Last evaluated: 2024-05-08. Review status: criteria provided, single submitter. Criteria: Myriad Autosomal Dominant, Autosomal Recessive and X-Linked Classification Criteria (2023). Collection method: clinical testing. Allele origin: unknown.
Comment: NM_004006.2(DMD):c.8821G>T(E2941*) is expected to be pathogenic in the context of dystrophinopathy (including Duchenne/Becker muscular dystrophy). This variant is predicted to lead to an abnormal or absent protein product due to the creation of a premature termination codon in DMD, a gene where loss-of-function variants are known to be pathogenic. Please note: this variant was assessed in the context of healthy population screening.

Labcorp Genetics (formerly Invitae), Labcorp
Classification: Pathogenic for Duchenne muscular dystrophy. Last evaluated: 2019-01-27. Review status: criteria provided, single submitter. Criteria: Invitae Variant Classification Sherloc (09022015). Collection method: clinical testing. Allele origin: germline.
Comment: This sequence change creates a premature translational stop signal (p.Glu2941*) in the DMD gene. It is expected to result in an absent or disrupted protein product. This variant is not present in population databases (ExAC no frequency). This variant has not been reported in the literature in individuals with DMD-related conditions. Loss-of-function variants in DMD are known to be pathogenic (PMID: 16770791, 25007885). For these reasons, this variant has been classified as Pathogenic.

Literature cited by the submitters: PubMed 16770791 (cited by Labcorp Genetics (formerly Invitae), Labcorp); PubMed 25007885 (cited by Labcorp Genetics (formerly Invitae), Labcorp).

NM_004006.3(DMD):c.8821G>T (p.Glu2941Ter)

Gene: DMD (dystrophin; minus strand). Cytogenetic location: Xp21.2.
Variant type: single nucleotide variant.
Coding change: c.8821G>T on transcript NM_004006.3 (MANE Select); coding-DNA position 8821, G replaced by T.
Protein change: p.Glu2941Ter; replaces glutamic acid 2941 with a stop codon.
Molecular consequence: nonsense.
Genome position (GRCh38, 1-based): chrX:31,478,222, C>A on the plus strand (G>T on the coding strand, the complement: DMD is on the minus strand). VCF-style: chrX-31478222-C-A. GRCh37 (hg19) VCF-style: chrX-31496339-C-A.
Other names: c.8797G>T, p.Glu2933Ter (NM_000109.4); c.8809G>T, p.Glu2937Ter (NM_004009.3); c.8452G>T, p.Glu2818Ter (NM_004010.3); c.4798G>T, p.Glu1600Ter (NM_004011.4); c.4789G>T, p.Glu1597Ter (NM_004012.4); c.1441G>T, p.Glu481Ter (NM_004013.3, NM_004020.4, NM_004021.3 and 2 more transcripts); c.634G>T, p.Glu212Ter (NM_004014.3); short protein forms E212*, E1597*, E2818*, E2941*, E481*, E1600*, E2933*, E2937*.
Identifiers: ClinVar variation 838351 (VCV000838351.10), dbSNP rs2067953453, ClinGen allele CA412654078.